The following is an entry in ClinVar:

NM_001348768.2(HECW2):c.3572G>A (p.Arg1191Gln)

Gene: HECW2 (HECT, C2 and WW domain containing E3 ubiquitin protein ligase 2; minus strand). Cytogenetic location: 2q32.3.
Variant type: single nucleotide variant.
Coding change: c.3572G>A on transcript NM_001348768.2 (MANE Select); coding-DNA position 3572, G replaced by A.
Protein change: p.Arg1191Gln; replaces arginine 1191 with glutamine.
Molecular consequence: missense variant.
Genome position (GRCh38, 1-based): chr2:196,242,162, C>T on the plus strand (G>A on the coding strand, the complement: HECW2 is on the minus strand). VCF-style: chr2-196242162-C-T. GRCh37 (hg19) VCF-style: chr2-197106886-C-T.
Other names: c.2504G>A, p.Arg835Gln (NM_001304840.3); c.3572G>A, p.Arg1191Gln (NM_020760.4); short protein forms R1191Q, R835Q.
Identifiers: ClinVar variation 242317 (VCV000242317.52), dbSNP rs878854416, ClinGen allele CA10583971.
Genomic context (GRCh38, chr2:196,242,162, plus strand): 5'-TGTCCATATCCTTTAGTCTCTAACTTCCTGTAAAAGTTCCTCAGTTTGGCTTCGAAATCC[C>T]GCTTGTAAGGGGCTGGAGCCCGGGCATTGGCACGCTGGGTACCTGCAGCAAACCACAAAG-3'
Protein context (NP_001335697.1, residues 1181-1201): ANARAPAPYK[Arg1191Gln]DFEAKLRNFY

ClinVar aggregate classification (germline): Pathogenic. Review status: criteria provided, multiple submitters, no conflicts (2 of 4 stars). 7 submissions from 7 submitters: Pathogenic (5). 2 of the submissions do not count toward it. Last evaluated 2022-01-04.

Conditions:
Neurodevelopmental disorder with hypotonia, seizures, and absent language (NDHSAL). Identifiers: MedGen C4310643, MONDO:0014995, OMIM 617268.
HECW2-related disorder. Also called: HECW2-related condition.
Inborn genetic diseases. Identifiers: MedGen C0950123, MeSH D030342.

Submissions (7):

Institute of Human Genetics, University of Leipzig Medical Center
Classification: Pathogenic for Neurodevelopmental disorder with hypotonia, seizures, and absent language. Last evaluated: 2022-01-04. Review status: criteria provided, single submitter. Criteria: ACMG Guidelines, 2015. Collection method: clinical testing. Allele origin: de novo. Inheritance: Autosomal dominant inheritance. Affected: yes.

GeneDx
Classification: Pathogenic. Last evaluated: 2021-07-06. Review status: criteria provided, single submitter. Criteria: GeneDx Variant Classification Process June 2021. Collection method: clinical testing. Allele origin: germline. Affected: yes.
Comment: Not observed at significant frequency in large population cohorts (Lek et al., 2016); In silico analysis supports that this missense variant has a deleterious effect on protein structure/function; This variant is associated with the following publications: (PMID: 29807643, 27535533, 27389779, 34047014, 33205896, 33262486, 33258288)

Center for Statistical Genetics, Columbia University
Classification: Pathogenic for Neurodevelopmental disorder with hypotonia, seizures, and absent language. Last evaluated: 2021-03-17. Review status: criteria provided, single submitter. Criteria: ACMG Guidelines, 2015. Collection method: clinical testing. Allele origin: de novo. Affected: yes.
Comment: Recurrent variant, identified in 8 cases with a neurodevelopmental disorder.

Ambry Genetics
Classification: Pathogenic for Inborn genetic diseases. Last evaluated: 2018-09-18. Review status: criteria provided, single submitter. Criteria: Ambry exome assertion method (8-5-2015). Collection method: clinical testing. Allele origin: germline. Affected: yes. Observed: 2 variant alleles.

CeGaT Center for Human Genetics Tuebingen
Classification: Pathogenic. Last evaluated: 2017-09-01. Review status: criteria provided, single submitter. Criteria: CeGaT Center For Human Genetics Tuebingen Variant Classification Criteria Version 2. Collection method: clinical testing. Allele origin: germline. Affected: yes. Observed: 1 variant allele.

PreventionGenetics, part of Exact Sciences
Classification: Pathogenic for HECW2-related condition. Last evaluated: 2024-05-24. Review status: no assertion criteria provided. Collection method: clinical testing. Allele origin: germline. Not counted in ClinVar's aggregate classification.
Comment: The HECW2 c.3572G>A variant is predicted to result in the amino acid substitution p.Arg1191Gln. This variant has been reported as arising de novo in multiple individuals with HECW2-related neurodevelopmental disease (Table 2, Berko et al. 2017. PubMed ID: 27389779; Ullman et al. 2018. PubMed ID: 29807643; Table 2, Acharya et al. 2022. PubMed ID: 34321324). This variant has not been reported in a large population database, indicating this variant is rare and has been consistently interpreted as pathogenic by other laboratories in the ClinVar database. This variant is interpreted as pathogenic.

OMIM
Classification: Pathogenic for NEURODEVELOPMENTAL DISORDER WITH HYPOTONIA, SEIZURES, AND ABSENT LANGUAGE. Last evaluated: 2018-01-10. Review status: no assertion criteria provided. Collection method: literature only. Allele origin: germline. Not counted in ClinVar's aggregate classification.

Literature cited by the submitters: PubMed 27389779 (cited by Ambry Genetics and OMIM); PubMed 29807643 (cited by Ambry Genetics).